The following is an entry in ClinVar:

ClinVar aggregate classification (germline): Likely benign. Review status: criteria provided, multiple submitters, no conflicts (2 of 4 stars). 2 submissions from 2 submitters: Likely benign (2). Last evaluated 2025-01-14.

gnomAD v4.1: 3 of 1,609,704 alleles (0.00019%); highest among the groups gnomAD compares: Non-Finnish European, 0.00025%; no homozygotes.

Submissions (2):

Mayo Clinic Laboratories, Mayo Clinic
Classification: Likely benign. Last evaluated: 2025-01-14. Review status: criteria provided, single submitter. Criteria: ACMG Guidelines, 2015. Collection method: clinical testing. Allele origin: germline. Observed: 1 variant allele.
Comment: BP4, BP7

Blueprint Genetics
Classification: Likely benign. Last evaluated: 2023-05-11. Review status: criteria provided, single submitter. Criteria: ACMG Guidelines, 2015. Collection method: clinical testing. Allele origin: germline.

NM_001385012.1(NBEA):c.5472T>C (p.Asn1824=)

Gene: NBEA (neurobeachin; plus strand). Cytogenetic location: 13q13.3.
Variant type: single nucleotide variant.
Coding change: c.5472T>C on transcript NM_001385012.1 (MANE Select); coding-DNA position 5472, T replaced by C.
Protein change: p.Asn1824=; no amino-acid change (asparagine 1824 retained).
Molecular consequence: synonymous variant.
Genome position (GRCh38, 1-based): chr13:35,208,805, T>C. VCF-style: chr13-35208805-T-C. GRCh37 (hg19) VCF-style: chr13-35782942-T-C.
Other names: p.Asn1824=; c.5463T>C, p.Asn1821= (NM_001379245.1); c.5472T>C, p.Asn1824= (NM_015678.5).
Identifiers: ClinVar variation 4683793 (VCV004683793.2).